The following is an entry in ClinVar:

NM_001478.5(B4GALNT1):c.219-9C>T

Gene: B4GALNT1 (beta-1,4-N-acetyl-galactosaminyltransferase 1; minus strand). Cytogenetic location: 12q13.3.
Variant type: single nucleotide variant.
Coding change: c.219-9C>T on transcript NM_001478.5 (MANE Select); 9 bases into the intron before coding-DNA position 219, C replaced by T.
Molecular consequence: intron variant.
Genome position (GRCh38, 1-based): chr12:57,631,373, G>A on the plus strand (C>T on the coding strand, the complement: B4GALNT1 is on the minus strand). VCF-style: chr12-57631373-G-A. GRCh37 (hg19) VCF-style: chr12-58025156-G-A.
Other names: c.219-287C>T (NM_001276468.2); c.219-9C>T (NM_001276469.2).
Identifiers: ClinVar variation 2179519 (VCV002179519.6), dbSNP rs374095074, ClinGen allele CA6655847.

ClinVar aggregate classification (germline): Conflicting classifications of pathogenicity. Review status: criteria provided, conflicting classifications (1 of 4 stars). 2 submissions from 2 submitters: Uncertain significance (1); Likely benign (1). Last evaluated 2025-09-15.

Conditions:
Spastic paraplegia. Identifiers: MedGen C0037772, HP:0001258.

Allele frequency attached by ClinVar (database versions not stated): ESP Exome Variant Server 0.00008.
gnomAD v4.1: 35 of 1,613,682 alleles (0.0022%); highest among the groups gnomAD compares: African/African-American, 0.04%; no homozygotes.

Submissions (2):

Labcorp Genetics (formerly Invitae), Labcorp
Classification: Likely benign for Spastic paraplegia. Last evaluated: 2025-09-15. Review status: criteria provided, single submitter. Criteria: Invitae Variant Classification Sherloc (09022015). Collection method: clinical testing. Allele origin: germline.

Dasa
Classification: Uncertain significance. Last evaluated: 2025-06-16. Review status: criteria provided, single submitter. Criteria: DASA Assertion Criteria. Collection method: clinical testing. Allele origin: germline.
Comment: NM_001478.5(B4GALNT1):c.219-9C>T is a splice-region variant. This variant is rare in population databases. Computational prediction algorithms are consistent with a benign effect. The currently available literature and clinical evidence are not sufficient to establish a definitive association between this variant and the reported condition. Therefore, this variant is classified as a variant of uncertain significance.